The following is an entry in ClinVar:

ClinVar aggregate classification (germline): Uncertain significance. Review status: criteria provided, multiple submitters, no conflicts (2 of 4 stars). 2 submissions from 2 submitters: Uncertain significance (2). Last evaluated 2026-04-25.

Conditions:
Hereditary cancer-predisposing syndrome. Also called: Tumor predisposition; Hereditary Cancer Syndrome; Hereditary neoplastic syndrome; Neoplastic Syndromes, Hereditary. Identifiers: Orphanet 140162, MedGen C0027672, MeSH D009386, MONDO:0015356.
Pheochromocytoma. Also called: MAX-Related Hereditary Paraganglioma-Pheochromocytoma Syndrome. Identifiers: Orphanet 29072, MedGen C0031511, MONDO:0008233, OMIM 171300, HP:0002666.
Gastrointestinal stromal tumor. Also called: Gastrointestinal stroma tumor; Gastrointestinal stromal tumor, somatic. Identifiers: Orphanet 44890, MedGen C0238198, MeSH D046152, MONDO:0011719, OMIM 606764, HP:0100723.
Pheochromocytoma/paraganglioma syndrome 4. Also called: CAROTID BODY TUMORS AND MULTIPLE EXTRAADRENAL PHEOCHROMOCYTOMAS; PARAGANGLIOMA, FAMILIAL MALIGNANT; PARAGANGLIOMAS, HEREDITARY EXTRAADRENAL; PHEOCHROMOCYTOMA, FAMILIAL EXTRAADRENAL; Paragangliomas 4; SDHB-Related Hereditary Paraganglioma-Pheochromocytoma Syndrome (Paragangliomas 4). Identifiers: Orphanet 29072, MedGen C1861848, MONDO:0007273, OMIM 115310.

Allele frequency attached by ClinVar (database versions not stated): gnomAD exomes below 0.00001.
gnomAD v4.1: 3 of 1,612,954 alleles (0.00019%); highest among the groups gnomAD compares: South Asian, 0.0033%; no homozygotes.

Submissions (2):

Ambry Genetics
Classification: Uncertain significance for Hereditary cancer-predisposing syndrome. Last evaluated: 2026-04-25. Review status: criteria provided, single submitter. Criteria: Ambry Variant Classification Scheme 2023. Collection method: clinical testing. Allele origin: germline.
Comment: The p.P14S variant (also known as c.40C>T), located in coding exon 1 of the SDHB gene, results from a C to T substitution at nucleotide position 40. The proline at codon 14 is replaced by serine, an amino acid with similar properties. This amino acid position is conserved. In addition, the in silico prediction for this alteration is inconclusive. Based on the available evidence, the clinical significance of this variant remains unclear.

Labcorp Genetics (formerly Invitae), Labcorp
Classification: Uncertain significance for Gastrointestinal stromal tumor; Pheochromocytoma/paraganglioma syndrome 4; Pheochromocytoma. Last evaluated: 2026-01-21. Review status: criteria provided, single submitter. Criteria: Invitae Variant Classification Sherloc (09022015). Collection method: clinical testing. Allele origin: germline.
Comment: This sequence change replaces proline, which is neutral and non-polar, with serine, which is neutral and polar, at codon 14 of the SDHB protein (p.Pro14Ser). This variant is not present in population databases (gnomAD no frequency). This variant has not been reported in the literature in individuals affected with SDHB-related conditions. ClinVar contains an entry for this variant (Variation ID: 1980140). Invitae Evidence Modeling of protein sequence and biophysical properties (such as structural, functional, and spatial information, amino acid conservation, physicochemical variation, residue mobility, and thermodynamic stability) indicates that this missense variant is not expected to disrupt SDHB protein function with a negative predictive value of 95%. In summary, the available evidence is currently insufficient to determine the role of this variant in disease. Therefore, it has been classified as a Variant of Uncertain Significance.

NM_003000.3(SDHB):c.40C>T (p.Pro14Ser)

Gene: SDHB (succinate dehydrogenase complex iron sulfur subunit B; minus strand). Cytogenetic location: 1p36.13.
Variant type: single nucleotide variant.
Coding change: c.40C>T on transcript NM_003000.3 (MANE Select); coding-DNA position 40, C replaced by T.
Protein change: p.Pro14Ser; replaces proline 14 with serine.
Molecular consequence: missense variant.
Genome position (GRCh38, 1-based): chr1:17,053,980, G>A on the plus strand (C>T on the coding strand, the complement: SDHB is on the minus strand). VCF-style: chr1-17053980-G-A. GRCh37 (hg19) VCF-style: chr1-17380475-G-A.
Other names: c.40C>T, p.Pro14Ser (NM_001407361.1); short protein forms P14S.
Identifiers: ClinVar variation 1980140 (VCV001980140.5), dbSNP rs2101551766, ClinGen allele CA338230760.